The following is an entry in ClinVar:

NM_006231.4(POLE):c.4457A>T (p.His1486Leu)

Gene: POLE (DNA polymerase epsilon, catalytic subunit; minus strand). Cytogenetic location: 12q24.33.
Variant type: single nucleotide variant.
Coding change: c.4457A>T on transcript NM_006231.4 (MANE Select); coding-DNA position 4457, A replaced by T.
Protein change: p.His1486Leu; replaces histidine 1486 with leucine.
Molecular consequence: missense variant.
Genome position (GRCh38, 1-based): chr12:132,643,318, T>A on the plus strand (A>T on the coding strand, the complement: POLE is on the minus strand). VCF-style: chr12-132643318-T-A. GRCh37 (hg19) VCF-style: chr12-133219904-T-A.
Other names: short protein forms H1486L.
Identifiers: ClinVar variation 473666 (VCV000473666.8), dbSNP rs1555222928, ClinGen allele CA387380770.

ClinVar aggregate classification (germline): Uncertain significance (1 of 4 stars; one submission).

Submission:

Labcorp Genetics (formerly Invitae), Labcorp
Classification: Uncertain significance. Last evaluated: 2017-05-03. Review status: criteria provided, single submitter. Criteria: Invitae Variant Classification Sherloc (09022015). Collection method: clinical testing. Allele origin: germline.
Comment: In summary, this variant is a novel missense change that is not predicted to affect protein function. There is no indication that it causes disease, but the available evidence is currently insufficient to prove that conclusively. Therefore, it has been classified as a Variant of Uncertain Significance. Algorithms developed to predict the effect of missense changes on protein structure and function (SIFT, PolyPhen-2, Align-GVGD) all suggest that this variant is likely to be tolerated, but these predictions have not been confirmed by published functional studies. This variant is not present in population databases (ExAC no frequency) and has not been reported in the literature in individuals with a POLE-related disease. This sequence change replaces histidine with leucine at codon 1486 of the POLE protein (p.His1486Leu). The histidine residue is moderately conserved and there is a moderate physicochemical difference between histidine and leucine.